The following is an entry in ClinVar:

NM_017654.4(SAMD9):c.889A>G (p.Ser297Gly)

Gene: SAMD9 (sterile alpha motif domain containing 9; minus strand). Cytogenetic location: 7q21.2.
Variant type: single nucleotide variant.
Coding change: c.889A>G on transcript NM_017654.4 (MANE Select); coding-DNA position 889, A replaced by G.
Protein change: p.Ser297Gly; replaces serine 297 with glycine.
Molecular consequence: missense variant.
Genome position (GRCh38, 1-based): chr7:93,105,209, T>C on the plus strand (A>G on the coding strand, the complement: SAMD9 is on the minus strand). VCF-style: chr7-93105209-T-C. GRCh37 (hg19) VCF-style: chr7-92734522-T-C.
Other names: c.889A>G, p.Ser297Gly (NM_001193307.2); short protein forms S297G.
Identifiers: ClinVar variation 4629859 (VCV004629859.1).

ClinVar aggregate classification (germline): Uncertain significance (1 of 4 stars; one submission).

Conditions:
Inborn genetic diseases. Identifiers: MedGen C0950123, MeSH D030342.

Submission:

Ambry Genetics
Classification: Uncertain significance for Inborn genetic diseases. Last evaluated: 2025-10-08. Review status: criteria provided, single submitter. Criteria: Ambry Variant Classification Scheme 2023. Collection method: clinical testing. Allele origin: germline.
Comment: The p.S297G variant (also known as c.889A>G), located in coding exon 1 of the SAMD9 gene, results from an A to G substitution at nucleotide position 889. The serine at codon 297 is replaced by glycine, an amino acid with similar properties. This amino acid position is conserved. In addition, this alteration is predicted to be tolerated by in silico analysis. Based on the available evidence, the clinical significance of this variant remains unclear.